The following is an entry in ClinVar:

ClinVar aggregate classification (germline): Pathogenic (1 of 4 stars; one submission).

Submission:

Labcorp Genetics (formerly Invitae), Labcorp
Classification: Pathogenic. Last evaluated: 2023-02-14. Review status: criteria provided, single submitter. Criteria: Invitae Variant Classification Sherloc (09022015). Collection method: clinical testing. Allele origin: germline.
Comment: For these reasons, this variant has been classified as Pathogenic. Advanced modeling of protein sequence and biophysical properties (such as structural, functional, and spatial information, amino acid conservation, physicochemical variation, residue mobility, and thermodynamic stability) performed at Invitae indicates that this missense variant is expected to disrupt YWHAG protein function. This missense change has been observed in individual(s) with clinical features of YWHAG-related conditions (Invitae). In at least one individual the variant was observed to be de novo. This variant is not present in population databases (gnomAD no frequency). This sequence change replaces valine, which is neutral and non-polar, with alanine, which is neutral and non-polar, at codon 181 of the YWHAG protein (p.Val181Ala).

NM_012479.4(YWHAG):c.542T>C (p.Val181Ala)

Gene: YWHAG (tyrosine 3-monooxygenase/tryptophan 5-monooxygenase activation protein gamma; minus strand). Cytogenetic location: 7q11.23.
Variant type: single nucleotide variant.
Coding change: c.542T>C on transcript NM_012479.4 (MANE Select); coding-DNA position 542, T replaced by C.
Protein change: p.Val181Ala; replaces valine 181 with alanine.
Molecular consequence: missense variant.
Genome position (GRCh38, 1-based): chr7:76,329,779, A>G on the plus strand (T>C on the coding strand, the complement: YWHAG is on the minus strand). VCF-style: chr7-76329779-A-G. GRCh37 (hg19) VCF-style: chr7-75959096-A-G.
Other names: short protein forms V181A.
Identifiers: ClinVar variation 2827317 (VCV002827317.3), dbSNP rs2536180810, ClinGen allele CA367776721.
Genomic context (GRCh38, chr7:76,329,779, plus strand): 5'-AACGCGGTCTTGGCCAAGTGGCACGCTTGCTCTGGGGCGTTCTGGATCTCATAGTAGAAG[A>G]CGGAGTAGTTAAGAGCCAGGCCTAATCGGATGGGGTGGGTGGGCTGCATGTGCTCTTTGC-3'
Protein context (NP_036611.2, residues 171-191): IRLGLALNYS[Val181Ala]FYYEIQNAPE